The following is an entry in ClinVar:

NM_006231.4(POLE):c.2054G>A (p.Arg685Gln)

Gene: POLE (DNA polymerase epsilon, catalytic subunit; minus strand). Cytogenetic location: 12q24.33.
Variant type: single nucleotide variant.
Coding change: c.2054G>A on transcript NM_006231.4 (MANE Select); coding-DNA position 2054, G replaced by A.
Protein change: p.Arg685Gln; replaces arginine 685 with glutamine.
Molecular consequence: missense variant.
Genome position (GRCh38, 1-based): chr12:132,668,475, C>T on the plus strand (G>A on the coding strand, the complement: POLE is on the minus strand). VCF-style: chr12-132668475-C-T. GRCh37 (hg19) VCF-style: chr12-133245061-C-T.
Other names: short protein forms R685Q.
Identifiers: ClinVar variation 405623 (VCV000405623.22), dbSNP rs770597683, ClinGen allele CA6893695.
Genomic context (GRCh38, chr12:132,668,475, plus strand): 5'-CGAGCTGGCCCCTCTGGGAACAAGGGGGGGAACTTCTCTGACTCCAGCTGGTGCTGGATC[C>T]GATGGTATTCGCTGCGACTGGCTGGCACTGGGAAGGAGGCAATGGGGGCAAGTTCAAAAG-3'
Protein context (NP_006222.2, residues 675-695): FMPASRSEYH[Arg685Gln]IQHQLESEKF

ClinVar aggregate classification (germline): Uncertain significance. Review status: criteria provided, multiple submitters, no conflicts (2 of 4 stars). 7 submissions from 7 submitters: Uncertain significance (7). Last evaluated 2026-01-02.

Conditions:
Hereditary cancer-predisposing syndrome. Also called: Hereditary Cancer Syndrome; Hereditary neoplastic syndrome; Neoplastic Syndromes, Hereditary; Tumor predisposition. Identifiers: Orphanet 140162, MedGen C0027672, MeSH D009386, MONDO:0015356.
Facial dysmorphism-immunodeficiency-livedo-short stature syndrome. Also called: Facial dysmorphism, immunodeficiency, livedo, and short stature; FILS syndrome. Identifiers: Orphanet 352712, MedGen C3554576, MONDO:0014058, OMIM 615139.
Colorectal cancer, susceptibility to, 12 (CRCS12). Also called: COLORECTAL CANCER, SUSCEPTIBILITY TO, ON CHROMOSOME 12q24. Identifiers: Orphanet 220460, MedGen C3554460, MONDO:0014038, OMIM 615083.
Intrauterine growth retardation, metaphyseal dysplasia, adrenal hypoplasia congenita, genital anomalies, and immunodeficiency. Also called: IMAGEI SYNDROME. Identifiers: MedGen C5193036, MONDO:0032684, OMIM 618336.

Allele frequency attached by ClinVar (database versions not stated): ExAC 0.00003; gnomAD exomes 0.00004; TOPMed 0.00009.
gnomAD v4.1: 74 of 1,605,918 alleles (0.0046%); highest among the groups gnomAD compares: Admixed American, 0.017%; no homozygotes.

Submissions (7):

Labcorp Genetics (formerly Invitae), Labcorp
Classification: Uncertain significance. Last evaluated: 2026-01-02. Review status: criteria provided, single submitter. Criteria: Invitae Variant Classification Sherloc (09022015). Collection method: clinical testing. Allele origin: germline.
Comment: This sequence change replaces arginine, which is basic and polar, with glutamine, which is neutral and polar, at codon 685 of the POLE protein (p.Arg685Gln). This variant is present in population databases (rs770597683, gnomAD 0.02%). This missense change has been observed in individual(s) with ovarian cancer (PMID: 32546565). ClinVar contains an entry for this variant (Variation ID: 405623). Invitae Evidence Modeling of protein sequence and biophysical properties (such as structural, functional, and spatial information, amino acid conservation, physicochemical variation, residue mobility, and thermodynamic stability) indicates that this missense variant is not expected to disrupt POLE protein function with a negative predictive value of 80%. In summary, the available evidence is currently insufficient to determine the role of this variant in disease. Therefore, it has been classified as a Variant of Uncertain Significance.

Ambry Genetics
Classification: Uncertain significance for Hereditary cancer-predisposing syndrome. Last evaluated: 2024-12-11. Review status: criteria provided, single submitter. Criteria: Ambry Variant Classification Scheme 2023. Collection method: clinical testing. Allele origin: germline.
Comment: The p.R685Q variant (also known as c.2054G>A), located in coding exon 19 of the POLE gene, results from a G to A substitution at nucleotide position 2054. The arginine at codon 685 is replaced by glutamine, an amino acid with highly similar properties. This amino acid position is highly conserved in available vertebrate species. In addition, the in silico prediction for this alteration is inconclusive. Based on the available evidence, the clinical significance of this variant remains unclear.

GeneDx
Classification: Uncertain significance. Last evaluated: 2024-08-23. Review status: criteria provided, single submitter. Criteria: GeneDx Variant Classification Process June 2021. Collection method: clinical testing. Allele origin: germline. Affected: yes.
Comment: Observed in individuals with ovarian cancer (PMID: 32546565); In silico analysis supports that this missense variant has a deleterious effect on protein structure/function; This variant is associated with the following publications: (PMID: 28098136, 30132154, 20951805, 32546565)

Fulgent Genetics
Classification: Uncertain significance for Colorectal cancer, susceptibility to, 12; Facial dysmorphism-immunodeficiency-livedo-short stature syndrome; Intrauterine growth retardation, metaphyseal dysplasia, adrenal hypoplasia congenita, genital anomalies, and immunodeficiency. Last evaluated: 2024-05-13. Review status: criteria provided, single submitter. Criteria: ACMG Guidelines, 2015. Collection method: clinical testing. Allele origin: germline.

Department of Pathology and Laboratory Medicine, Sinai Health System
Classification: Uncertain significance for Colorectal cancer, susceptibility to, 12; Facial dysmorphism-immunodeficiency-livedo-short stature syndrome; Intrauterine growth retardation, metaphyseal dysplasia, adrenal hypoplasia congenita, genital anomalies, and immunodeficiency. Last evaluated: 2021-07-30. Review status: criteria provided, single submitter. Criteria: ACMG Guidelines, 2015. Collection method: research. Allele origin: germline.

Baylor Genetics
Classification: Uncertain significance for Facial dysmorphism-immunodeficiency-livedo-short stature syndrome. Last evaluated: 2020-08-27. Review status: criteria provided, single submitter. Criteria: ACMG Guidelines, 2015. Collection method: clinical testing. Allele origin: unknown. Affected: yes. Study: CSER-TexasKidsCanSeq.
Comment: This variant was determined to be of uncertain significance according to ACMG Guidelines, 2015 [PMID:25741868].

Quest Diagnostics Nichols Institute San Juan Capistrano
Classification: Uncertain significance. Last evaluated: 2018-06-26. Review status: criteria provided, single submitter. Criteria: Quest Diagnostics criteria. Collection method: clinical testing. Allele origin: germline.

Literature cited by the submitters: PubMed 32546565 (cited by Labcorp Genetics (formerly Invitae), Labcorp).